The following is an entry in ClinVar:

ClinVar aggregate classification (germline): Uncertain significance. Review status: criteria provided, multiple submitters, no conflicts (2 of 4 stars). 3 submissions from 3 submitters: Uncertain significance (3). Last evaluated 2025-09-26.

Conditions:
Cardiovascular phenotype. Identifiers: MedGen CN230736.
Brugada syndrome 4 (BRGDA4). Identifiers: Orphanet 130, MedGen C2678477, MONDO:0012743, OMIM 611876.

Allele frequency attached by ClinVar (database versions not stated): ExAC 0.00002; ESP Exome Variant Server 0.00008; TOPMed 0.00002; gnomAD 0.00004 and 0.00003; gnomAD exomes 0.00012 and 0.00001.
gnomAD v4.1: 175 of 1,613,794 alleles (0.011%); highest among the groups gnomAD compares: Non-Finnish European, 0.014%; no homozygotes.

Submissions (3):

Ambry Genetics
Classification: Uncertain significance for Cardiovascular phenotype. Last evaluated: 2025-09-26. Review status: criteria provided, single submitter. Criteria: Ambry Variant Classification Scheme 2023. Collection method: clinical testing. Allele origin: germline.

Labcorp Genetics (formerly Invitae), Labcorp
Classification: Uncertain significance for Brugada syndrome 4. Last evaluated: 2023-12-19. Review status: criteria provided, single submitter. Criteria: Invitae Variant Classification Sherloc (09022015). Collection method: clinical testing. Allele origin: germline.
Comment: This sequence change replaces valine, which is neutral and non-polar, with glycine, which is neutral and non-polar, at codon 525 of the CACNB2 protein (p.Val525Gly). This variant is present in population databases (rs370475450, gnomAD 0.002%). This variant has not been reported in the literature in individuals affected with CACNB2-related conditions. ClinVar contains an entry for this variant (Variation ID: 971535). Algorithms developed to predict the effect of missense changes on protein structure and function output the following: SIFT: "Not Available"; PolyPhen-2: "Benign"; Align-GVGD: "Not Available". The glycine amino acid residue is found in multiple mammalian species, which suggests that this missense change does not adversely affect protein function. In summary, the available evidence is currently insufficient to determine the role of this variant in disease. Therefore, it has been classified as a Variant of Uncertain Significance.

Fulgent Genetics
Classification: Uncertain significance for Brugada syndrome 4. Last evaluated: 2021-09-15. Review status: criteria provided, single submitter. Criteria: ACMG Guidelines, 2015. Collection method: clinical testing. Allele origin: unknown.

NM_201596.3(CACNB2):c.1736T>G (p.Val579Gly)

Gene: CACNB2 (calcium voltage-gated channel auxiliary subunit beta 2; plus strand). Cytogenetic location: 10p12.31.
Variant type: single nucleotide variant.
Coding change: c.1736T>G on transcript NM_201596.3 (MANE Select); coding-DNA position 1736, T replaced by G.
Protein change: p.Val579Gly; replaces valine 579 with glycine.
Molecular consequence: missense variant.
Genome position (GRCh38, 1-based): chr10:18,539,477, T>G. VCF-style: chr10-18539477-T-G. GRCh37 (hg19) VCF-style: chr10-18828406-T-G.
Other names: c.1571T>G, p.Val524Gly (NM_000724.4); c.1538T>G, p.Val513Gly (NM_001167945.2); c.1457T>G, p.Val486Gly (NM_001330060.2); c.1592T>G, p.Val531Gly (NM_201570.3); c.1652T>G, p.Val551Gly (NM_201571.4); c.1580T>G, p.Val527Gly (NM_201572.4); c.1574T>G, p.Val525Gly (NM_201590.3); c.1622T>G, p.Val541Gly (NM_201593.3); and 1 more; short protein forms V486G, V513G, V527G, V541G, V555G, V531G, V524G, V525G.
Identifiers: ClinVar variation 971535 (VCV000971535.10), dbSNP rs370475450, ClinGen allele CA5430148.